The following is an entry in ClinVar:

ClinVar aggregate classification (germline): Conflicting classifications of pathogenicity. Review status: criteria provided, conflicting classifications (1 of 4 stars). 2 submissions from 2 submitters: Uncertain significance (1); Likely benign (1). Last evaluated 2026-05-05.

Conditions:
Hereditary cancer-predisposing syndrome. Also called: Neoplastic Syndromes, Hereditary; Tumor predisposition; Hereditary Cancer Syndrome; Hereditary neoplastic syndrome. Identifiers: Orphanet 140162, MedGen C0027672, MeSH D009386, MONDO:0015356.
Hereditary diffuse gastric adenocarcinoma (HDGC). Also called: DIFFUSE GASTRIC AND LOBULAR BREAST CANCER SYNDROME. Identifiers: Orphanet 26106, MedGen C1708349, MONDO:0007648, OMIM 137215.

gnomAD v4.1: 2 of 1,614,112 alleles (0.00012%); highest among the groups gnomAD compares: South Asian, 0.0011%; no homozygotes.

Submissions (2):

Ambry Genetics
Classification: Likely benign for Hereditary cancer-predisposing syndrome. Last evaluated: 2026-05-05. Review status: criteria provided, single submitter. Criteria: Ambry Variant Classification Scheme 2023. Collection method: clinical testing. Allele origin: germline.

Labcorp Genetics (formerly Invitae), Labcorp
Classification: Uncertain significance for Hereditary diffuse gastric adenocarcinoma. Last evaluated: 2025-07-18. Review status: criteria provided, single submitter. Criteria: Invitae Variant Classification Sherloc (09022015). Collection method: clinical testing. Allele origin: germline.
Comment: This sequence change replaces threonine, which is neutral and polar, with isoleucine, which is neutral and non-polar, at codon 303 of the CDH1 protein (p.Thr303Ile). This variant is not present in population databases (gnomAD no frequency). This variant has not been reported in the literature in individuals affected with CDH1-related conditions. ClinVar contains an entry for this variant (Variation ID: 2012029). An algorithm developed to predict the effect of missense changes on protein structure and function (PolyPhen-2) suggests that this variant is likely to be tolerated. In summary, the available evidence is currently insufficient to determine the role of this variant in disease. Therefore, it has been classified as a Variant of Uncertain Significance.

NM_004360.5(CDH1):c.908C>T (p.Thr303Ile)

Gene: CDH1 (cadherin 1; plus strand). Cytogenetic location: 16q22.1.
Variant type: single nucleotide variant.
Coding change: c.908C>T on transcript NM_004360.5 (MANE Select); coding-DNA position 908, C replaced by T.
Protein change: p.Thr303Ile; replaces threonine 303 with isoleucine.
Molecular consequence: missense variant. On other transcripts: 5 prime UTR variant (2).
Genome position (GRCh38, 1-based): chr16:68,811,759, C>T. VCF-style: chr16-68811759-C-T. GRCh37 (hg19) VCF-style: chr16-68845662-C-T.
Other names: c.908C>T, p.Thr303Ile (NM_001317184.2); c.-708C>T (NM_001317185.2); c.-912C>T (NM_001317186.2); short protein forms T303I.
Identifiers: ClinVar variation 2012029 (VCV002012029.6), dbSNP rs2152131995, ClinGen allele CA396459693.